The following is an entry in ClinVar:

NM_003072.5(SMARCA4):c.20C>G (p.Pro7Arg)

Gene: SMARCA4 (SWI/SNF related BAF chromatin remodeling complex subunit ATPase 4; plus strand). Cytogenetic location: 19p13.2.
Variant type: single nucleotide variant.
Coding change: c.20C>G on transcript NM_003072.5 (MANE Select); coding-DNA position 20, C replaced by G.
Protein change: p.Pro7Arg; replaces proline 7 with arginine.
Molecular consequence: missense variant. On other transcripts: non-coding transcript variant (1).
Genome position (GRCh38, 1-based): chr19:10,984,171, C>G. VCF-style: chr19-10984171-C-G. GRCh37 (hg19) VCF-style: chr19-11094847-C-G.
Other names: c.20C>G, p.Pro7Arg (NM_001128844.3, NM_001128845.2, NM_001128846.2 and 5 more transcripts); short protein forms P7R.
Identifiers: ClinVar variation 1056574 (VCV001056574.11), dbSNP rs1568416569, ClinGen allele CA404053889.

ClinVar aggregate classification (germline): Uncertain significance. Review status: criteria provided, multiple submitters, no conflicts (2 of 4 stars). 2 submissions from 2 submitters: Uncertain significance (2). Last evaluated 2023-03-03.

Conditions:
Hereditary cancer-predisposing syndrome. Also called: Hereditary Cancer Syndrome; Tumor predisposition; Hereditary neoplastic syndrome; Neoplastic Syndromes, Hereditary. Identifiers: Orphanet 140162, MedGen C0027672, MeSH D009386, MONDO:0015356.
Rhabdoid tumor predisposition syndrome 2 (RTPS2). Identifiers: Orphanet 231108, Orphanet 69077, MedGen C2750074, MONDO:0013224, OMIM 613325.

Submissions (2):

Ambry Genetics
Classification: Uncertain significance for Hereditary cancer-predisposing syndrome. Last evaluated: 2023-03-03. Review status: criteria provided, single submitter. Criteria: Ambry Variant Classification Scheme 2023. Collection method: clinical testing. Allele origin: germline.
Comment: The p.P7R variant (also known as c.20C>G), located in coding exon 1 of the SMARCA4 gene, results from a C to G substitution at nucleotide position 20. The proline at codon 7 is replaced by arginine, an amino acid with dissimilar properties. This amino acid position is well conserved in available vertebrate species. In addition, the in silico prediction for this alteration is inconclusive. Missense and in-frame variants in SMARCA4 are known to cause neurodevelopmental disorders; however, such associations with rhabdoid tumor predisposition syndrome including small cell carcinoma of the ovary-hypercalcemic type (SCCOHT) are exceedingly rare (Kosho T et al. Am J Med Genet C Semin Med Genet. 2014 Sep;166C(3):262-75; Jelinic P et al. Nat Genet. 2014 May;46(5):424-6). Since supporting evidence is limited at this time, the clinical significance of this alteration remains unclear.

Labcorp Genetics (formerly Invitae), Labcorp
Classification: Uncertain significance for Rhabdoid tumor predisposition syndrome 2. Last evaluated: 2020-09-08. Review status: criteria provided, single submitter. Criteria: Invitae Variant Classification Sherloc (09022015). Collection method: clinical testing. Allele origin: germline.
Comment: This sequence change replaces proline with arginine at codon 7 of the SMARCA4 protein (p.Pro7Arg). The proline residue is highly conserved and there is a moderate physicochemical difference between proline and arginine. This variant is not present in population databases (ExAC no frequency). This variant has not been reported in the literature in individuals with SMARCA4-related conditions. Algorithms developed to predict the effect of missense changes on protein structure and function are either unavailable or do not agree on the potential impact of this missense change (SIFT: "Deleterious"; PolyPhen-2: "Not Available"; Align-GVGD: "Class C35"). In summary, the available evidence is currently insufficient to determine the role of this variant in disease. Therefore, it has been classified as a Variant of Uncertain Significance.